The following is an entry in ClinVar:

NM_003632.3(CNTNAP1):c.3041A>G (p.Gln1014Arg)

Gene: CNTNAP1 (contactin associated protein 1; plus strand). Cytogenetic location: 17q21.2.
Variant type: single nucleotide variant.
Coding change: c.3041A>G on transcript NM_003632.3 (MANE Select); coding-DNA position 3041, A replaced by G.
Protein change: p.Gln1014Arg; replaces glutamine 1014 with arginine.
Molecular consequence: missense variant.
Genome position (GRCh38, 1-based): chr17:42,695,569, A>G. VCF-style: chr17-42695569-A-G. GRCh37 (hg19) VCF-style: chr17-40847587-A-G.
Other names: p.Gln1014Arg; short protein forms Q1014R.
Identifiers: ClinVar variation 4542157 (VCV004542157.1).
Genomic context (GRCh38, chr17:42,695,569, plus strand): 5'-TTCTACCTGCAGATATTGGTGGTTTCTTTGAGCCGGGCACCTGGATGCGCTATAACCTAC[A>G]GTCAGCGCTGCGCTCTGCAGCCAGGGAGTTCTCCCACATGCTGAGCCGGCCAGTGCCAGG-3'
Protein context (NP_003623.1, residues 1004-1024): EPGTWMRYNL[Gln1014Arg]SALRSAAREF

ClinVar aggregate classification (germline): Uncertain significance (1 of 4 stars; one submission).

Submission:

Mayo Clinic Laboratories, Mayo Clinic
Classification: Uncertain significance. Last evaluated: 2025-06-08. Review status: criteria provided, single submitter. Criteria: ACMG Guidelines, 2015. Collection method: clinical testing. Allele origin: germline. Observed: 1 variant allele.
Comment: PM2_supporting